The following is an entry in ClinVar:

NM_001100.4(ACTA1):c.431T>C (p.Leu144Pro)

Gene: ACTA1 (actin alpha 1, skeletal muscle; minus strand). Cytogenetic location: 1q42.13.
Variant type: single nucleotide variant.
Coding change: c.431T>C on transcript NM_001100.4 (MANE Select); coding-DNA position 431, T replaced by C.
Protein change: p.Leu144Pro; replaces leucine 144 with proline.
Molecular consequence: missense variant.
Genome position (GRCh38, 1-based): chr1:229,432,579, A>G on the plus strand (T>C on the coding strand, the complement: ACTA1 is on the minus strand). VCF-style: chr1-229432579-A-G. GRCh37 (hg19) VCF-style: chr1-229568326-A-G.
Other names: short protein forms L144P.
Identifiers: ClinVar variation 2030953 (VCV002030953.4), dbSNP rs2527438867, ClinGen allele CA345149186.

ClinVar aggregate classification (germline): Uncertain significance (1 of 4 stars; one submission).

Conditions:
Actin accumulation myopathy (CMYO2A). Also called: Myopathy, actin, congenital, with cores; Nemaline myopathy 3, with intranuclear rods; Nemaline myopathy type 3; Myopathy, actin, congenital, with excess of thin myofilaments; CONGENITAL MYOPATHY 2A, TYPICAL, AUTOSOMAL DOMINANT. Identifiers: Orphanet 98904, MedGen C3711389, MONDO:0008070, OMIM 161800.

Submission:

Labcorp Genetics (formerly Invitae), Labcorp
Classification: Uncertain significance for Actin accumulation myopathy. Last evaluated: 2022-11-22. Review status: criteria provided, single submitter. Criteria: Invitae Variant Classification Sherloc (09022015). Collection method: clinical testing. Allele origin: germline.
Comment: In summary, the available evidence is currently insufficient to determine the role of this variant in disease. Therefore, it has been classified as a Variant of Uncertain Significance. This variant disrupts the p.Leu144 amino acid residue in ACTA1. Other variant(s) that disrupt this residue have been determined to be pathogenic (PMID: 19553121, 23102861). This suggests that this residue is clinically significant, and that variants that disrupt this residue are likely to be disease-causing. Algorithms developed to predict the effect of missense changes on protein structure and function (SIFT, PolyPhen-2, Align-GVGD) all suggest that this variant is likely to be disruptive. This variant has not been reported in the literature in individuals affected with ACTA1-related conditions. This variant is not present in population databases (gnomAD no frequency). This sequence change replaces leucine, which is neutral and non-polar, with proline, which is neutral and non-polar, at codon 144 of the ACTA1 protein (p.Leu144Pro).

Literature cited by the submitters: PubMed 19553121; PubMed 23102861.